The following is an entry in ClinVar:

NM_000535.7(PMS2):c.163+9G>C

Gene: PMS2 (PMS1 homolog 2, mismatch repair system component; minus strand). Cytogenetic location: 7p22.1.
Variant type: single nucleotide variant.
Coding change: c.163+9G>C on transcript NM_000535.7 (MANE Select); 9 bases into the intron after coding-DNA position 163, G replaced by C.
Molecular consequence: intron variant.
Genome position (GRCh38, 1-based): chr7:6,005,883, C>G on the plus strand (G>C on the coding strand, the complement: PMS2 is on the minus strand). VCF-style: chr7-6005883-C-G. GRCh37 (hg19) VCF-style: chr7-6045514-C-G.
Other names: c.-52-1825G>C (NM_001322008.2); c.-242-1825G>C (NM_001322010.2, NM_001322004.2); c.-243+9G>C (NM_001322013.2, NM_001322003.2, NM_001322009.2 and 1 more transcripts); c.-722+9G>C (NM_001322012.2, NM_001322011.2); c.-322+9G>C (NM_001322015.2); c.-53+9G>C (NM_001322007.2); c.163+9G>C (NM_001322006.2, NM_001322014.2).
Identifiers: ClinVar variation 1160276 (VCV001160276.10), dbSNP rs2128843463, ClinGen allele CA2499218990.

ClinVar aggregate classification (germline): Likely benign. Review status: criteria provided, multiple submitters, no conflicts (2 of 4 stars). 2 submissions from 2 submitters: Likely benign (2). Last evaluated 2025-06-08.

Conditions:
Lynch syndrome 4 (LYNCH4). Also called: Hereditary non-polyposis colorectal cancer, type 4; Colorectal cancer, hereditary nonpolyposis, type 4. Identifiers: Orphanet 144, MedGen C1838333, MONDO:0013699, OMIM 614337. Disease mechanism: loss of function.
Hereditary nonpolyposis colorectal neoplasms. Identifiers: MedGen C0009405, MeSH D003123.

Submissions (2):

Labcorp Genetics (formerly Invitae), Labcorp
Classification: Likely benign for Hereditary nonpolyposis colorectal neoplasms. Last evaluated: 2025-06-08. Review status: criteria provided, single submitter. Criteria: Invitae Variant Classification Sherloc (09022015). Collection method: clinical testing. Allele origin: germline.

Myriad Genetics, Inc.
Classification: Likely benign for Lynch syndrome 4. Last evaluated: 2025-01-23. Review status: criteria provided, single submitter. Criteria: Myriad Autosomal Dominant, Autosomal Recessive and X-Linked Classification Criteria (2023). Collection method: clinical testing. Allele origin: unknown.
Comment: This variant is considered likely benign. This variant is intronic and is not expected to impact mRNA splicing.